The following is an entry in ClinVar:

ClinVar aggregate classification (germline): Uncertain significance (1 of 4 stars; one submission).

Conditions:
Hereditary cancer-predisposing syndrome. Also called: Hereditary neoplastic syndrome; Hereditary Cancer Syndrome; Neoplastic Syndromes, Hereditary; Tumor predisposition. Identifiers: Orphanet 140162, MedGen C0027672, MeSH D009386, MONDO:0015356.

Submission:

Ambry Genetics
Classification: Uncertain significance for Hereditary cancer-predisposing syndrome. Last evaluated: 2023-06-02. Review status: criteria provided, single submitter. Criteria: Ambry Variant Classification Scheme 2023. Collection method: clinical testing. Allele origin: germline.
Comment: The p.L802H variant (also known as c.2405T>A), located in coding exon 14 of the RET gene, results from a T to A substitution at nucleotide position 2405. The leucine at codon 802 is replaced by histidine, an amino acid with similar properties. This amino acid position is conserved. In addition, this alteration is predicted to be deleterious by in silico analysis. Since supporting evidence is limited at this time, the clinical significance of this alteration remains unclear.

NM_020975.6(RET):c.2405T>A (p.Leu802His)

Gene: RET (ret proto-oncogene; plus strand). Cytogenetic location: 10q11.21.
Variant type: single nucleotide variant.
Coding change: c.2405T>A on transcript NM_020975.6 (MANE Select); coding-DNA position 2405, T replaced by A.
Protein change: p.Leu802His; replaces leucine 802 with histidine.
Molecular consequence: missense variant.
Genome position (GRCh38, 1-based): chr10:43,119,543, T>A. VCF-style: chr10-43119543-T-A. GRCh37 (hg19) VCF-style: chr10-43614991-T-A.
Other names: c.2405T>A, p.Leu802His (NM_000323.2, NM_001406743.1, NM_001406744.1 and 4 more transcripts); c.1643T>A, p.Leu548His (NM_001355216.2); c.2276T>A, p.Leu759His (NM_001406761.1, NM_001406762.1, NM_001406764.1); c.2270T>A, p.Leu757His (NM_001406763.1, NM_001406765.1); c.2117T>A, p.Leu706His (NM_001406766.1, NM_001406767.1, NM_001406770.1); c.2141T>A, p.Leu714His (NM_001406768.1); c.2009T>A, p.Leu670His (NM_001406769.1, NM_001406772.1); c.1967T>A, p.Leu656His (NM_001406771.1, NM_001406773.1); and 10 more; short protein forms L367H, L548H, L560H, L714H, L759H, L802H, L458H, L656H.
Identifiers: ClinVar variation 2568378 (VCV002568378.2), dbSNP rs2132942553, ClinGen allele CA376556022.